The following is an entry in ClinVar:

ClinVar aggregate classification (germline): Benign/Likely benign. Review status: criteria provided, multiple submitters, no conflicts (2 of 4 stars). 7 submissions from 7 submitters: Benign (4); Likely benign (1). 2 of the submissions do not count toward it. Last evaluated 2025-09-11.

Conditions:
SFTPA1-related disorder. Also called: SFTPA1-related condition.
PULMONARY FIBROSIS, IDIOPATHIC, SUSCEPTIBILITY TO. Identifiers: MedGen C4016689.

Allele frequency attached by ClinVar (database versions not stated): ExAC 0.10030; 1000 Genomes Project 30x 0.11493; gnomAD exomes 0.10197; TOPMed 0.09296; 1000 Genomes Project 0.11522.
gnomAD v4.1: 143,721 of 1,614,084 alleles (8.9%); highest among the groups gnomAD compares: East Asian, 23%; 7,308 homozygotes.

Submissions (7):

Mayo Clinic Laboratories, Mayo Clinic
Classification: Benign. Last evaluated: 2025-09-11. Review status: criteria provided, single submitter. Criteria: ACMG Guidelines, 2015. Collection method: clinical testing. Allele origin: germline. Observed: 3 variant alleles.
Comment: BA1, BP4_moderate

Blueprint Genetics
Classification: Likely benign. Last evaluated: 2024-11-27. Review status: criteria provided, single submitter. Criteria: ACMG Guidelines, 2015. Collection method: clinical testing. Allele origin: germline.

GeneDx
Classification: Benign. Last evaluated: 2018-11-12. Review status: criteria provided, single submitter. Criteria: GeneDx Variant Classification Process June 2021. Collection method: clinical testing. Allele origin: germline. Affected: yes.
Comment: This variant is associated with the following publications: (PMID: 26792177, 13680361, 23926107, 16292672)

Laboratory for Molecular Medicine, Mass General Brigham Personalized Medicine
Classification: Benign. Last evaluated: 2013-10-11. Review status: criteria provided, single submitter. Criteria: LMM Criteria. Collection method: clinical testing. Allele origin: germline. Observed: 19 variant alleles.
Comment: This variant is frequent in the general population (MAF around 8%)

Breakthrough Genomics
Classification: Benign. Review status: criteria provided, single submitter. Criteria: ACMG Guidelines, 2015. Collection method: not provided. Allele origin: germline. Inheritance: Autosomal dominant inheritance. Affected: yes.

PreventionGenetics, part of Exact Sciences
Classification: Benign for SFTPA1-related condition. Last evaluated: 2024-09-10. Review status: no assertion criteria provided. Collection method: clinical testing. Allele origin: germline. Not counted in ClinVar's aggregate classification.
Comment: This variant is classified as benign based on ACMG/AMP sequence variant interpretation guidelines (Richards et al. 2015 PMID: 25741868, with internal and published modifications).

OMIM
Classification: Uncertain significance for RECLASSIFIED - VARIANT OF UNKNOWN SIGNIFICANCE. Last evaluated: 2003-11-01. Review status: no assertion criteria provided. Collection method: literature only. Allele origin: germline. Not counted in ClinVar's aggregate classification.

Literature cited by the submitters: PubMed 16292672 (cited by Mayo Clinic Laboratories, Mayo Clinic); PubMed 26792177 (cited by Mayo Clinic Laboratories, Mayo Clinic); PubMed 13680361 (cited by OMIM).

NM_005411.5(SFTPA1):c.655C>T (p.Arg219Trp)

Gene: SFTPA1 (surfactant protein A1; plus strand). Cytogenetic location: 10q22.3.
Variant type: single nucleotide variant.
Coding change: c.655C>T on transcript NM_005411.5 (MANE Select); coding-DNA position 655, C replaced by T.
Protein change: p.Arg219Trp; replaces arginine 219 with tryptophan.
Molecular consequence: missense variant.
Genome position (GRCh38, 1-based): chr10:79,614,021, C>T. VCF-style: chr10-79614021-C-T. GRCh37 (hg19) VCF-style: chr10-81373777-C-T.
Other names: c.700C>T, p.Arg234Trp (NM_001093770.3); c.655C>T, p.Arg219Trp (NM_001164644.2, NM_001164647.1); c.553C>T, p.Arg185Trp (NM_001164645.2); c.508C>T, p.Arg170Trp (NM_001164646.2); short protein forms R219W, R234W, R185W, R170W.
Identifiers: ClinVar variation 13206 (VCV000013206.12), dbSNP rs4253527, ClinGen allele CA122960.